The following is an entry in ClinVar:

NM_002299.4(LCT):c.2705C>A (p.Thr902Lys)

Gene: LCT (lactase; minus strand). Cytogenetic location: 2q21.3.
Variant type: single nucleotide variant.
Coding change: c.2705C>A on transcript NM_002299.4 (MANE Select); coding-DNA position 2705, C replaced by A.
Protein change: p.Thr902Lys; replaces threonine 902 with lysine.
Molecular consequence: missense variant.
Genome position (GRCh38, 1-based): chr2:135,809,642, G>T on the plus strand (C>A on the coding strand, the complement: LCT is on the minus strand). VCF-style: chr2-135809642-G-T. GRCh37 (hg19) VCF-style: chr2-136567212-G-T.
Other names: short protein forms T902K.
Identifiers: ClinVar variation 1378504 (VCV001378504.7), dbSNP rs746882997, ClinGen allele CA1888182.

ClinVar aggregate classification (germline): Uncertain significance (1 of 4 stars; one submission).

Allele frequency attached by ClinVar (database versions not stated): gnomAD 0.00001; ExAC 0.00002; gnomAD exomes 0.00002.
gnomAD v4.1: 12 of 1,614,086 alleles (0.00074%); highest among the groups gnomAD compares: Admixed American, 0.0033%; no homozygotes.

Submission:

Labcorp Genetics (formerly Invitae), Labcorp
Classification: Uncertain significance. Last evaluated: 2024-10-24. Review status: criteria provided, single submitter. Criteria: Invitae Variant Classification Sherloc (09022015). Collection method: clinical testing. Allele origin: germline.
Comment: This sequence change replaces threonine, which is neutral and polar, with lysine, which is basic and polar, at codon 902 of the LCT protein (p.Thr902Lys). This variant is present in population databases (rs746882997, gnomAD 0.006%). This variant has not been reported in the literature in individuals affected with LCT-related conditions. ClinVar contains an entry for this variant (Variation ID: 1378504). Invitae Evidence Modeling of protein sequence and biophysical properties (such as structural, functional, and spatial information, amino acid conservation, physicochemical variation, residue mobility, and thermodynamic stability) indicates that this missense variant is not expected to disrupt LCT protein function with a negative predictive value of 80%. In summary, the available evidence is currently insufficient to determine the role of this variant in disease. Therefore, it has been classified as a Variant of Uncertain Significance.